The following is an entry in ClinVar:

ClinVar aggregate classification (germline): Conflicting classifications of pathogenicity. Review status: criteria provided, conflicting classifications (1 of 4 stars). 4 submissions from 4 submitters: Likely pathogenic (3); Uncertain significance (1). Last evaluated 2025-12-26.

Conditions:
Congenital hyperammonemia, type I. Also called: CPS I DEFICIENCY; Carbamoyl-phosphate synthase I deficiency; Carbamoyl phosphate synthetase 1 deficiency; Hyperammonemia due to carbamoyl phosphate synthetase 1 deficiency; CPS 1 deficiency; Carbamyl phosphate synthetase (CPS) deficiency. Identifiers: Orphanet 147, MedGen C4082171, MONDO:0009376, OMIM 237300.
Pulmonary hypertension, neonatal, susceptibility to (PHN). Identifiers: MedGen C3714958, MONDO:0014151, OMIM 615371.

Allele frequency attached by ClinVar (database versions not stated): gnomAD exomes below 0.00001; ExAC 0.00001; gnomAD 0.00001; TOPMed 0.00001; ESP Exome Variant Server 0.00008.
gnomAD v4.1: 4 of 1,609,572 alleles (0.00025%); highest among the groups gnomAD compares: African/African-American, 0.0014%; no homozygotes.

Submissions (4):

Natera, Inc.
Classification: Likely pathogenic for Carbamoyl-phosphate synthase I deficiency. Last evaluated: 2025-12-26. Review status: criteria provided, single submitter. Criteria: Natera Variant Classification Schema (03/2026). Collection method: clinical testing. Allele origin: germline.
Comment: The c.3608C>T variant in CPS1 is a missense variant predicted to cause substitution of serine to leucine at amino acid 1203. This variant is rare in the general population with a frequency below the threshold expected for the associated phenotype(s). This variant has been observed in one or more individuals affected with the associated recessive disease, as either homozygous or compound heterozygous with a second variant (PMID: 36703223). A different variant at the same position has been determined to be Pathogenic or Likely Pathogenic. Computational prediction algorithms indicate this variant is likely to affect gene or protein function. Given the available evidence, this variant is classified as Likely Pathogenic.

Fulgent Genetics
Classification: Likely pathogenic for Congenital hyperammonemia, type I; Pulmonary hypertension, neonatal, susceptibility to. Last evaluated: 2024-04-26. Review status: criteria provided, single submitter. Criteria: ACMG Guidelines, 2015. Collection method: clinical testing. Allele origin: germline.

Dubai Health Genomic Medicine Center, Dubai Health
Classification: Likely pathogenic. Last evaluated: 2022-12-17. Review status: criteria provided, single submitter. Criteria: ACMG Guidelines, 2015. Collection method: clinical testing. Allele origin: germline. Affected: yes.

Labcorp Genetics (formerly Invitae), Labcorp
Classification: Uncertain significance for Congenital hyperammonemia, type I. Last evaluated: 2021-07-14. Review status: criteria provided, single submitter. Criteria: Invitae Variant Classification Sherloc (09022015). Collection method: clinical testing. Allele origin: germline.
Comment: This sequence change replaces serine with leucine at codon 1203 of the CPS1 protein (p.Ser1203Leu). The serine residue is highly conserved and there is a large physicochemical difference between serine and leucine. This variant is present in population databases (rs149518280, ExAC 0.001%). This missense change has been observed in individual(s) with CPS1 deficiency (PMID: 21120950; Invitae). Algorithms developed to predict the effect of missense changes on protein structure and function are either unavailable or do not agree on the potential impact of this missense change (SIFT: "Deleterious"; PolyPhen-2: "Possibly Damaging"; Align-GVGD: "Class C0"). This variant disrupts the p.Ser1203 amino acid residue in CPS1. Other variant(s) that disrupt this residue have been observed in individuals with CPS1-related conditions (PMID: 9686343, 16737834), which suggests that this may be a clinically significant amino acid residue. In summary, the available evidence is currently insufficient to determine the role of this variant in disease. Therefore, it has been classified as a Variant of Uncertain Significance.

Literature cited by the submitters: PubMed 36703223 (cited by Natera, Inc.); PubMed 21120950 (cited by Labcorp Genetics (formerly Invitae), Labcorp); PubMed 9686343 (cited by Labcorp Genetics (formerly Invitae), Labcorp); PubMed 16737834 (cited by Labcorp Genetics (formerly Invitae), Labcorp).

NM_001875.5(CPS1):c.3608C>T (p.Ser1203Leu)

Gene: CPS1 (carbamoyl-phosphate synthase 1; plus strand). Cytogenetic location: 2q34.
Variant type: single nucleotide variant.
Coding change: c.3608C>T on transcript NM_001875.5 (MANE Select); coding-DNA position 3608, C replaced by T.
Protein change: p.Ser1203Leu; replaces serine 1203 with leucine.
Molecular consequence: missense variant. On other transcripts: non-coding transcript variant (2).
Genome position (GRCh38, 1-based): chr2:210,656,574, C>T. VCF-style: chr2-210656574-C-T. GRCh37 (hg19) VCF-style: chr2-211521298-C-T.
Other names: c.3608C>T, p.Ser1203Leu (NM_001122633.3, NM_001369257.1); c.3641C>T, p.Ser1214Leu (NM_001369256.1); short protein forms S1214L, S1203L.
Identifiers: ClinVar variation 970487 (VCV000970487.9), dbSNP rs149518280, ClinGen allele CA2087019.